The following is an entry in ClinVar:

ClinVar aggregate classification (germline): Pathogenic (1 of 4 stars; one submission).

Submission:

Labcorp Genetics (formerly Invitae), Labcorp
Classification: Pathogenic. Last evaluated: 2025-02-15. Review status: criteria provided, single submitter. Criteria: Invitae Variant Classification Sherloc (09022015). Collection method: clinical testing. Allele origin: germline.
Comment: This sequence change creates a premature translational stop signal (p.Gly160Aspfs*6) in the LZTR1 gene. It is expected to result in an absent or disrupted protein product. Loss-of-function variants in LZTR1 are known to be pathogenic (PMID: 24362817, 25335493, 25480913, 25795793, 29469822, 30368668, 30442762, 30442766, 30481304, 30859559). This variant is not present in population databases (gnomAD no frequency). This variant has not been reported in the literature in individuals affected with LZTR1-related conditions. For these reasons, this variant has been classified as Pathogenic.

Literature cited by the submitters: PubMed 24362817; PubMed 25335493; PubMed 25480913; PubMed 25795793; PubMed 29469822; PubMed 30368668; PubMed 30442762; PubMed 30442766; PubMed 30481304; PubMed 30859559.

NM_006767.4(LZTR1):c.479_486del (p.Gly160fs)

Gene: LZTR1 (leucine zipper like post translational regulator 1; plus strand). Cytogenetic location: 22q11.21.
Variant type: Deletion.
Coding change: c.479_486del on transcript NM_006767.4 (MANE Select); coding-DNA positions 479 to 486, 8 bases deleted (GCCAGTGG; older notation c.479_486delGCCAGTGG).
Protein change: p.Gly160fs; shifts the reading frame from glycine 160.
Molecular consequence: frameshift variant.
Genome position (GRCh38, 1-based): chr22:20,988,088-20,988,095, GCCAGTGG deleted; deleting any 8 consecutive bases within chr22:20,988,087-20,988,095 gives the same sequence; the c. name uses the placement nearest the transcript's 3' end. VCF-style (leftmost placement, unchanged base first): chr22-20988086-TGGCCAGTG-T. GRCh37 (hg19) VCF-style: chr22-21342375-TGGCCAGTG-T.
Other names: short protein forms G160fs.
Identifiers: ClinVar variation 4713097 (VCV004713097.1).
Genomic context (GRCh38, chr22:20,988,086, plus strand): 5'-CATTTATTCCAATTCTAACTTGAAGAATAAAAACGACCTCTTTGAATACAAGTTTGCAAC[TGGCCAGTG>T]GACGGAGTGGAAAATTGAAGGACGGTGAGAAACTTTGCAGAAACATTTGGGACAGGCTGG-3'